The following is an entry in ClinVar:

ClinVar aggregate classification (germline): Pathogenic/Likely pathogenic. Review status: criteria provided, multiple submitters, no conflicts (2 of 4 stars). 3 submissions from 3 submitters: Pathogenic (1); Likely pathogenic (2). Last evaluated 2025-01-03.

Conditions:
COL7A1-related disorder. Also called: COL7A1- related disorders; COL7A1-related condition.
Epidermolysis bullosa dystrophica. Also called: Dystrophic epidermolysis bullosa, Hallopeau-Siemens type (formerly); Dystrophic epidermolysis bullosa. Identifiers: Orphanet 303, MedGen C0079294, MONDO:0006543.

Submissions (3):

Natera, Inc.
Classification: Likely pathogenic for Dystrophic epidermolysis bullosa. Last evaluated: 2025-01-03. Review status: criteria provided, single submitter. Criteria: Natera Variant Classification Schema (03/2026). Collection method: clinical testing. Allele origin: germline.
Comment: The c.6698G>A variant in COL7A1 is a missense variant predicted to cause substitution of glycine to aspartic acid at amino acid 2233. This variant is rare in the general population with a frequency below the threshold expected for the associated phenotype(s). This variant has been observed in one or more individuals affected with the associated recessive disease, as either homozygous or compound heterozygous with a second variant (PMID: 31001817, 26595603). This variant has been observed in affected individual(s) with monoallelic occurrence (heterozygous/hemizygous) (PMID: 26595603, 30549102, 19197535). Additionally, this variant has been observed to segregate in affected family members (PMID: 26595603, 30549102). Computational prediction algorithms indicate this variant is likely to affect gene or protein function. Given the available evidence, this variant is classified as Likely Pathogenic.

Centre for Clinical Genetics and Genomic Diagnostics, Zealand University Hospital
Classification: Likely pathogenic. Last evaluated: 2023-12-19. Review status: criteria provided, single submitter. Criteria: ACMG Guidelines, 2015. Collection method: clinical testing. Allele origin: germline. Affected: yes.

Blueprint Genetics
Classification: Pathogenic for COL7A1-related disorders. Last evaluated: 2023-10-12. Review status: criteria provided, single submitter. Criteria: ACMG Guidelines, 2015. Collection method: clinical testing. Allele origin: germline. Affected: yes. Observed: 2 variant alleles.

Literature cited by the submitters: PubMed 31001817 (cited by Natera, Inc.); PubMed 26595603 (cited by Natera, Inc.); PubMed 30549102 (cited by Natera, Inc.); PubMed 19197535 (cited by Natera, Inc.).

NM_000094.4(COL7A1):c.6698G>A (p.Gly2233Asp)

Gene: COL7A1 (collagen type VII alpha 1 chain; minus strand). Cytogenetic location: 3p21.31.
Variant type: single nucleotide variant.
Coding change: c.6698G>A on transcript NM_000094.4 (MANE Select); coding-DNA position 6698, G replaced by A.
Protein change: p.Gly2233Asp; replaces glycine 2233 with aspartic acid.
Molecular consequence: missense variant.
Genome position (GRCh38, 1-based): chr3:48,573,190, C>T on the plus strand (G>A on the coding strand, the complement: COL7A1 is on the minus strand). VCF-style: chr3-48573190-C-T. GRCh37 (hg19) VCF-style: chr3-48610623-C-T.
Other names: short protein forms G2233D.
Identifiers: ClinVar variation 3341125 (VCV003341125.3).